The following is an entry in ClinVar:

ClinVar aggregate classification (germline): Uncertain significance (1 of 4 stars; one submission).

Submission:

GeneDx
Classification: Uncertain significance. Last evaluated: 2026-02-06. Review status: criteria provided, single submitter. Criteria: GeneDx Variant Classification Process June 2021. Collection method: clinical testing. Allele origin: germline.
Comment: Not observed at significant frequency in large population cohorts (gnomAD); In silico analysis suggests that this missense variant does not alter protein structure/function; Has not been previously published as pathogenic or benign to our knowledge

NM_001197104.2(KMT2A):c.3832G>T (p.Ala1278Ser)

Gene: KMT2A (lysine methyltransferase 2A; plus strand). Cytogenetic location: 11q23.3.
Variant type: single nucleotide variant.
Coding change: c.3832G>T on transcript NM_001197104.2 (MANE Select); coding-DNA position 3832, G replaced by T.
Protein change: p.Ala1278Ser; replaces alanine 1278 with serine.
Molecular consequence: missense variant.
Genome position (GRCh38, 1-based): chr11:118,481,912, G>T. VCF-style: chr11-118481912-G-T. GRCh37 (hg19) VCF-style: chr11-118352627-G-T.
Other names: c.3931G>T, p.Ala1311Ser (NM_001412597.1); c.3832G>T, p.Ala1278Ser (NM_005933.4); short protein forms A1278S, A1311S.
Identifiers: ClinVar variation 4976163 (VCV004976163.1).